The following is an entry in ClinVar:

ClinVar aggregate classification (germline): Pathogenic (1 of 4 stars; one submission).

Conditions:
Telangiectasia, hereditary hemorrhagic, type 2 (HHT2). Also called: Telangiectasia, hereditary hemorrhagic, type II; ACVRL1-Related Hereditary Hemorrhagic Telangiectasia. Identifiers: Orphanet 774, MedGen C1838163, MONDO:0010880, OMIM 600376. Disease mechanism: loss of function.

Submission:

Labcorp Genetics (formerly Invitae), Labcorp
Classification: Pathogenic for Telangiectasia, hereditary hemorrhagic, type 2. Last evaluated: 2026-01-18. Review status: criteria provided, single submitter. Criteria: Invitae Variant Classification Sherloc (09022015). Collection method: clinical testing. Allele origin: germline.
Comment: This sequence change creates a premature translational stop signal (p.Arg151Leufs*14) in the ACVRL1 gene. It is expected to result in an absent or disrupted protein product. Loss-of-function variants in ACVRL1 are known to be pathogenic (PMID: 15879500). This variant is not present in population databases (gnomAD no frequency). This variant has not been reported in the literature in individuals affected with ACVRL1-related conditions. Algorithms developed to predict the effect of sequence changes on RNA splicing suggest that this variant may disrupt the consensus splice site. For these reasons, this variant has been classified as Pathogenic.

Literature cited by the submitters: PubMed 15879500.

NM_000020.3(ACVRL1):c.452del (p.Arg151fs)

Gene: ACVRL1 (activin A receptor like type 1; plus strand). Cytogenetic location: 12q13.13.
Variant type: Deletion.
Coding change: c.452del on transcript NM_000020.3 (MANE Select); coding-DNA position 452, one base deleted (G; older notation c.452delG).
Protein change: p.Arg151fs; shifts the reading frame from arginine 151.
Molecular consequence: frameshift variant. On other transcripts: intron variant (6).
Genome position (GRCh38, 1-based): chr12:51,913,697, G deleted. VCF-style (leftmost placement, unchanged base first): chr12-51913696-CG-C. GRCh37 (hg19) VCF-style: chr12-52307480-CG-C.
Other names: c.452del, p.Arg151fs (NM_001077401.2, NM_001406487.1, NM_001406488.1 and 1 more transcripts); c.313+347del (NM_001406491.1, NM_001406490.1, NM_001406492.1 and 2 more transcripts); c.62-742del (NM_001406495.1); short protein forms R151fs.
Identifiers: ClinVar variation 4735414 (VCV004735414.1).